The following is an entry in ClinVar:

ClinVar aggregate classification (germline): Uncertain significance. Review status: criteria provided, single submitter (1 of 4 stars). 2 submissions from 2 submitters: Uncertain significance (1). 1 of the submissions does not count toward it. Last evaluated 2025-06-12.

Conditions:
Alport syndrome. Also called: Hemorrhagic familial nephritis; Hemorrhagic hereditary nephritis; Congenital hereditary hematuria. Identifiers: Orphanet 63, MedGen C1567741, MONDO:0018965.

gnomAD v4.1: 1 of 1,614,238 alleles (0.000062%); highest among the groups gnomAD compares: East Asian, 0.0022%; no homozygotes.

Submissions (2):

Labcorp Genetics (formerly Invitae), Labcorp
Classification: Uncertain significance. Last evaluated: 2025-06-12. Review status: criteria provided, single submitter. Criteria: Invitae Variant Classification Sherloc (09022015). Collection method: clinical testing. Allele origin: germline.
Comment: This sequence change replaces valine, which is neutral and non-polar, with methionine, which is neutral and non-polar, at codon 1530 of the COL4A4 protein (p.Val1530Met). This variant is not present in population databases (gnomAD no frequency). This variant has not been reported in the literature in individuals affected with COL4A4-related conditions. Invitae Evidence Modeling of protein sequence and biophysical properties (such as structural, functional, and spatial information, amino acid conservation, physicochemical variation, residue mobility, and thermodynamic stability) indicates that this missense variant is not expected to disrupt COL4A4 protein function with a negative predictive value of 95%. In summary, the available evidence is currently insufficient to determine the role of this variant in disease. Therefore, it has been classified as a Variant of Uncertain Significance.

Natera, Inc.
Classification: Uncertain significance for Alport syndrome. Last evaluated: 2025-03-24. Review status: no assertion criteria provided. Collection method: clinical testing. Allele origin: germline. Not counted in ClinVar's aggregate classification.

NM_000092.5(COL4A4):c.4588G>A (p.Val1530Met)

Gene: COL4A4 (collagen type IV alpha 4 chain; minus strand). Cytogenetic location: 2q36.3.
Variant type: single nucleotide variant.
Coding change: c.4588G>A on transcript NM_000092.5 (MANE Select); coding-DNA position 4588, G replaced by A.
Protein change: p.Val1530Met; replaces valine 1530 with methionine.
Molecular consequence: missense variant.
Genome position (GRCh38, 1-based): chr2:227,008,239, C>T on the plus strand (G>A on the coding strand, the complement: COL4A4 is on the minus strand). VCF-style: chr2-227008239-C-T. GRCh37 (hg19) VCF-style: chr2-227872955-C-T.
Other names: short protein forms V1530M.
Identifiers: ClinVar variation 4065027 (VCV004065027.2).